The following is an entry in ClinVar:

ClinVar aggregate classification (germline): Uncertain significance (1 of 4 stars; one submission).

Conditions:
Ullrich congenital muscular dystrophy 2 (UCMD2). Identifiers: Orphanet 75840, MedGen C4225314, MONDO:0014654, OMIM 616470.
Bethlem myopathy 2 (BTHLM2). Identifiers: Orphanet 536516, Orphanet 610, MedGen C4225313, MONDO:0034022, OMIM 616471.

Submission:

Labcorp Genetics (formerly Invitae), Labcorp
Classification: Uncertain significance for Bethlem myopathy 2; Ullrich congenital muscular dystrophy 2. Last evaluated: 2023-07-25. Review status: criteria provided, single submitter. Criteria: Invitae Variant Classification Sherloc (09022015). Collection method: clinical testing. Allele origin: germline.
Comment: Experimental studies and prediction algorithms are not available or were not evaluated, and the functional significance of this variant is currently unknown. In summary, the available evidence is currently insufficient to determine the role of this variant in disease. Therefore, it has been classified as a Variant of Uncertain Significance. Algorithms developed to predict the effect of sequence changes on RNA splicing suggest that this variant may create or strengthen a splice site. This variant has not been reported in the literature in individuals affected with COL12A1-related conditions. This variant is not present in population databases (gnomAD no frequency). This sequence change creates a premature translational stop signal (p.Arg749*) in the COL12A1 gene. Multiple COL12A1 isoforms have been reported, and the functional impact of this variant is uncertain (PMID: 8601036).

Literature cited by the submitters: PubMed 8601036.

NM_004370.6(COL12A1):c.2245A>T (p.Arg749Ter)

Gene: COL12A1 (collagen type XII alpha 1 chain; minus strand). Cytogenetic location: 6q13.
Variant type: single nucleotide variant.
Coding change: c.2245A>T on transcript NM_004370.6 (MANE Select); coding-DNA position 2245, A replaced by T.
Protein change: p.Arg749Ter; replaces arginine 749 with a stop codon.
Molecular consequence: nonsense. On other transcripts: intron variant (2).
Genome position (GRCh38, 1-based): chr6:75,177,855, T>A on the plus strand (A>T on the coding strand, the complement: COL12A1 is on the minus strand). VCF-style: chr6-75177855-T-A. GRCh37 (hg19) VCF-style: chr6-75887571-T-A.
Other names: c.2245A>T, p.Arg749Ter (NM_001424113.1, NM_001424114.1, NM_001424115.1); c.73+24865A>T (NM_001424116.1, NM_080645.3); short protein forms R749*.
Identifiers: ClinVar variation 2950231 (VCV002950231.3), dbSNP rs2533534278, ClinGen allele CA364764294.